The following is an entry in ClinVar:

NM_198253.3(TERT):c.481C>T (p.Leu161=)

Gene: TERT (telomerase reverse transcriptase; minus strand). Cytogenetic location: 5p15.33.
Variant type: single nucleotide variant.
Coding change: c.481C>T on transcript NM_198253.3 (MANE Select); coding-DNA position 481, C replaced by T.
Protein change: p.Leu161=; no amino-acid change (leucine 161 retained).
Molecular consequence: synonymous variant. On other transcripts: non-coding transcript variant (2).
Genome position (GRCh38, 1-based): chr5:1,294,405, G>A on the plus strand (C>T on the coding strand, the complement: TERT is on the minus strand). VCF-style: chr5-1294405-G-A. GRCh37 (hg19) VCF-style: chr5-1294520-G-A.
Other names: c.481C>T, p.Leu161= (NM_001193376.3).
Identifiers: ClinVar variation 539231 (VCV000539231.17), dbSNP rs368291455, ClinGen allele CA3184970.

ClinVar aggregate classification (germline): Likely benign. Review status: criteria provided, multiple submitters, no conflicts (2 of 4 stars). 4 submissions from 4 submitters: Likely benign (3). 1 of the submissions does not count toward it. Last evaluated 2025-12-20.

Conditions:
Dyskeratosis congenita, autosomal dominant 2. Identifiers: MedGen C3151443, MONDO:0013521, OMIM 613989.
Idiopathic Pulmonary Fibrosis. Also called: Idiopathic fibrosing alveolitis, chronic form; idiopathic fibrosing alveolitis. Identifiers: Orphanet 2032, MedGen C1800706, MeSH D054990, MONDO:0800504.
Dyskeratosis congenita. Identifiers: Orphanet 1775, MedGen C0265965, MONDO:0015780.
TERT-related disorder. Also called: TERT-related condition; TERT-related disorders.

Allele frequency attached by ClinVar (database versions not stated): gnomAD 0.00001 and 0.00004; TOPMed 0.00001; gnomAD exomes 0.00002 and 0.00005; ExAC 0.00011; 1000 Genomes Project 0.00040; 1000 Genomes Project 30x 0.00062.
gnomAD v4.1: 46 of 1,587,440 alleles (0.0029%); highest among the groups gnomAD compares: South Asian, 0.028%; no homozygotes.

Submissions (4):

Labcorp Genetics (formerly Invitae), Labcorp
Classification: Likely benign for Dyskeratosis congenita, autosomal dominant 2; Idiopathic Pulmonary Fibrosis. Last evaluated: 2025-12-20. Review status: criteria provided, single submitter. Criteria: Invitae Variant Classification Sherloc (09022015). Collection method: clinical testing. Allele origin: germline.

Ambry Genetics
Classification: Likely benign for Dyskeratosis congenita. Last evaluated: 2022-02-26. Review status: criteria provided, single submitter. Criteria: Ambry Variant Classification Scheme 2023. Collection method: clinical testing. Allele origin: germline.

Blueprint Genetics
Classification: Likely benign. Last evaluated: 2021-06-29. Review status: criteria provided, single submitter. Criteria: ACMG Guidelines, 2015. Collection method: clinical testing. Allele origin: germline.

PreventionGenetics, part of Exact Sciences
Classification: Likely benign for TERT-related condition. Last evaluated: 2023-11-03. Review status: no assertion criteria provided. Collection method: clinical testing. Allele origin: germline. Not counted in ClinVar's aggregate classification.
Comment: This variant is classified as likely benign based on ACMG/AMP sequence variant interpretation guidelines (Richards et al. 2015 PMID: 25741868, with internal and published modifications).